The following is an entry in ClinVar:

ClinVar aggregate classification (germline): Uncertain significance. Review status: criteria provided, multiple submitters, no conflicts (2 of 4 stars). 3 submissions from 3 submitters: Uncertain significance (3). Last evaluated 2025-01-13.

Conditions:
Hereditary cancer-predisposing syndrome. Also called: Tumor predisposition; Hereditary neoplastic syndrome; Neoplastic Syndromes, Hereditary; Hereditary Cancer Syndrome. Identifiers: Orphanet 140162, MedGen C0027672, MeSH D009386, MONDO:0015356.

Allele frequency attached by ClinVar (database versions not stated): gnomAD exomes below 0.00001.
gnomAD v4.1: 1 of 1,614,084 alleles (0.000062%); highest among the groups gnomAD compares: Non-Finnish European, 0.000085%; no homozygotes.

Submissions (3):

Ambry Genetics
Classification: Uncertain significance for Hereditary cancer-predisposing syndrome. Last evaluated: 2025-01-13. Review status: criteria provided, single submitter. Criteria: Ambry Variant Classification Scheme 2023. Collection method: clinical testing. Allele origin: germline.
Comment: The p.I1362V variant (also known as c.4084A>G), located in coding exon 32 of the POLE gene, results from an A to G substitution at nucleotide position 4084. The isoleucine at codon 1362 is replaced by valine, an amino acid with highly similar properties. This amino acid position is conserved. In addition, this alteration is predicted to be tolerated by in silico analysis. Based on the available evidence, the clinical significance of this variant remains unclear.

Labcorp Genetics (formerly Invitae), Labcorp
Classification: Uncertain significance. Last evaluated: 2024-06-13. Review status: criteria provided, single submitter. Criteria: Invitae Variant Classification Sherloc (09022015). Collection method: clinical testing. Allele origin: germline.
Comment: This sequence change replaces isoleucine, which is neutral and non-polar, with valine, which is neutral and non-polar, at codon 1362 of the POLE protein (p.Ile1362Val). This variant is not present in population databases (gnomAD no frequency). This variant has not been reported in the literature in individuals affected with POLE-related conditions. ClinVar contains an entry for this variant (Variation ID: 1435372). Advanced modeling of protein sequence and biophysical properties (such as structural, functional, and spatial information, amino acid conservation, physicochemical variation, residue mobility, and thermodynamic stability) performed at Invitae indicates that this missense variant is not expected to disrupt POLE protein function with a negative predictive value of 80%. In summary, the available evidence is currently insufficient to determine the role of this variant in disease. Therefore, it has been classified as a Variant of Uncertain Significance.

Blueprint Genetics
Classification: Uncertain significance. Last evaluated: 2024-04-30. Review status: criteria provided, single submitter. Criteria: ACMG Guidelines, 2015. Collection method: clinical testing. Allele origin: germline.

NM_006231.4(POLE):c.4084A>G (p.Ile1362Val)

Gene: POLE (DNA polymerase epsilon, catalytic subunit; minus strand). Cytogenetic location: 12q24.33.
Variant type: single nucleotide variant.
Coding change: c.4084A>G on transcript NM_006231.4 (MANE Select); coding-DNA position 4084, A replaced by G.
Protein change: p.Ile1362Val; replaces isoleucine 1362 with valine.
Molecular consequence: missense variant.
Genome position (GRCh38, 1-based): chr12:132,648,994, T>C on the plus strand (A>G on the coding strand, the complement: POLE is on the minus strand). VCF-style: chr12-132648994-T-C. GRCh37 (hg19) VCF-style: chr12-133225580-T-C.
Other names: c.4084A>G (NM_006231.2); short protein forms I1362V.
Identifiers: ClinVar variation 1435372 (VCV001435372.10), dbSNP rs2138597914, ClinGen allele CA387383775.